The following is an entry in ClinVar:

NM_001967.4(EIF4A2):c.744A>G (p.Lys248=)

Gene: EIF4A2 (eukaryotic translation initiation factor 4A2; plus strand). Cytogenetic location: 3q27.3.
Variant type: single nucleotide variant.
Coding change: c.744A>G on transcript NM_001967.4 (MANE Select); coding-DNA position 744, A replaced by G.
Protein change: p.Lys248=; no amino-acid change (lysine 248 retained).
Molecular consequence: synonymous variant.
Genome position (GRCh38, 1-based): chr3:186,786,618, A>G. VCF-style: chr3-186786618-A-G. GRCh37 (hg19) VCF-style: chr3-186504407-A-G.
Identifiers: ClinVar variation 3042243 (VCV003042243.2), dbSNP rs11538612, ClinGen allele CA2746975.

ClinVar aggregate classification (germline): Benign (0 of 4 stars; one submission).

Conditions:
EIF4A2-related disorder. Also called: EIF4A2-related condition.

Allele frequency attached by ClinVar (database versions not stated): ESP Exome Variant Server 0.00869; gnomAD exomes 0.00999; gnomAD 0.01045; TOPMed 0.01058; ExAC 0.01580; 1000 Genomes Project 30x 0.02795; 1000 Genomes Project 0.02995.
gnomAD v4.1: 16,358 of 1,614,050 alleles (1%); highest among the groups gnomAD compares: East Asian, 8.1%; 305 homozygotes.

Submission:

PreventionGenetics, part of Exact Sciences
Classification: Benign for EIF4A2-related condition. Last evaluated: 2019-11-27. Review status: no assertion criteria provided. Collection method: clinical testing. Allele origin: germline.
Comment: This variant is classified as benign based on ACMG/AMP sequence variant interpretation guidelines (Richards et al. 2015 PMID: 25741868, with internal and published modifications).